The following is an entry in ClinVar:

ClinVar aggregate classification (germline): Benign. Review status: criteria provided, multiple submitters, no conflicts (2 of 4 stars). 8 submissions from 8 submitters: Benign (8). Last evaluated 2026-02-01.

Conditions:
Hereditary spastic paraplegia. Also called: Familial spastic paraparesis. Identifiers: Orphanet 685, MedGen C0037773, MONDO:0019064. Disease mechanism: loss of function.
Hereditary spastic paraplegia 15 (SPG15). Also called: SPASTIC PARAPLEGIA 15, AUTOSOMAL RECESSIVE; KJELLIN SYNDROME; SPASTIC PARAPLEGIA AND RETINAL DEGENERATION. Identifiers: Orphanet 100996, MedGen C1849128, MONDO:0010044, OMIM 270700.
Spastic paraplegia. Identifiers: MedGen C0037772, HP:0001258.

Allele frequency attached by ClinVar (database versions not stated): gnomAD exomes 0.00687 and 0.01268; ExAC 0.01389; 1000 Genomes Project 0.02716; 1000 Genomes Project 30x 0.02920; gnomAD 0.03295 and 0.03528; ESP Exome Variant Server 0.03629; TOPMed 0.03777.
gnomAD v4.1: 15,436 of 1,614,152 alleles (0.96%); highest among the groups gnomAD compares: African/African-American, 11%; 479 homozygotes.

Submissions (8):

Labcorp Genetics (formerly Invitae), Labcorp
Classification: Benign for Spastic paraplegia. Last evaluated: 2026-02-01. Review status: criteria provided, single submitter. Criteria: Invitae Variant Classification Sherloc (09022015). Collection method: clinical testing. Allele origin: germline.

Genome-Nilou Lab
Classification: Benign for Hereditary spastic paraplegia 15. Last evaluated: 2021-12-05. Review status: criteria provided, single submitter. Criteria: ACMG Guidelines, 2015. Collection method: clinical testing. Allele origin: germline. Affected: no.

Genome Diagnostics Laboratory, The Hospital for Sick Children
Classification: Benign for Hereditary spastic paraplegia. Last evaluated: 2021-10-29. Review status: criteria provided, single submitter. Criteria: ACMG Guidelines, 2015. Collection method: clinical testing. Allele origin: germline. Affected: yes.

Illumina Laboratory Services, Illumina
Classification: Benign for Hereditary spastic paraplegia 15. Last evaluated: 2018-01-13. Review status: criteria provided, single submitter. Criteria: ICSL Variant Classification Criteria 13 December 2019. Collection method: clinical testing. Allele origin: germline.
Comment: This variant was observed in the ICSL laboratory as part of a predisposition screen in an ostensibly healthy population. It had not been previously curated by ICSL or reported in the Human Gene Mutation Database (HGMD: prior to June 1st, 2018), and was therefore a candidate for classification through an automated scoring system. Utilizing variant allele frequency, disease prevalence and penetrance estimates, and inheritance mode, an automated score was calculated to assess if this variant is too frequent to cause the disease. Based on the score and internal cut-off values, a variant classified as benign is not then subjected to further curation. The score for this variant resulted in a classification of benign for this disease.

Athena Diagnostics
Classification: Benign. Last evaluated: 2017-08-01. Review status: criteria provided, single submitter. Criteria: Athena Diagnostics Criteria. Collection method: clinical testing. Allele origin: germline.

GeneDx
Classification: Benign. Last evaluated: 2016-09-26. Review status: criteria provided, single submitter. Criteria: GeneDx Variant Classification (06012015). Collection method: clinical testing. Allele origin: germline. Affected: yes.
Comment: This variant is considered likely benign or benign based on one or more of the following criteria: it is a conservative change, it occurs at a poorly conserved position in the protein, it is predicted to be benign by multiple in silico algorithms, and/or has population frequency not consistent with disease.

Mayo Clinic Laboratories, Mayo Clinic
Classification: Benign. Last evaluated: 2016-04-13. Review status: criteria provided, single submitter. Criteria: ACMG Guidelines, 2015. Collection method: clinical testing. Allele origin: germline. Observed: 31 variant alleles.

Breakthrough Genomics
Classification: Benign. Review status: criteria provided, single submitter. Criteria: ACMG Guidelines, 2015. Collection method: not provided. Allele origin: germline. Inheritance: Autosomal recessive inheritance. Affected: yes.

NM_015346.4(ZFYVE26):c.3757C>T (p.Leu1253=)

Gene: ZFYVE26 (zinc finger FYVE-type containing 26; minus strand). Cytogenetic location: 14q24.1.
Variant type: single nucleotide variant.
Coding change: c.3757C>T on transcript NM_015346.4 (MANE Select); coding-DNA position 3757, C replaced by T.
Protein change: p.Leu1253=; no amino-acid change (leucine 1253 retained).
Molecular consequence: synonymous variant.
Genome position (GRCh38, 1-based): chr14:67,783,395, G>A on the plus strand (C>T on the coding strand, the complement: ZFYVE26 is on the minus strand). VCF-style: chr14-67783395-G-A. GRCh37 (hg19) VCF-style: chr14-68250112-G-A.
Other names: p.Leu1253=.
Identifiers: ClinVar variation 313905 (VCV000313905.23), dbSNP rs34296097, ClinGen allele CA7239908.